The following is an entry in ClinVar:

ClinVar aggregate classification (germline): Benign/Likely benign. Review status: criteria provided, multiple submitters, no conflicts (2 of 4 stars). 4 submissions from 4 submitters: Benign (2); Likely benign (2). Last evaluated 2026-01-15.

Allele frequency attached by ClinVar (database versions not stated): gnomAD exomes 0.00103 and 0.00293; ExAC 0.00361; gnomAD 0.01090 and 0.01154; TOPMed 0.01207; ESP Exome Variant Server 0.01247; 1000 Genomes Project 0.01478; 1000 Genomes Project 30x 0.01562.
gnomAD v4.1: 3,270 of 1,614,164 alleles (0.2%); highest among the groups gnomAD compares: African/African-American, 3.7%; 72 homozygotes.

Submissions (4):

Labcorp Genetics (formerly Invitae), Labcorp
Classification: Benign. Last evaluated: 2026-01-15. Review status: criteria provided, single submitter. Criteria: Invitae Variant Classification Sherloc (09022015). Collection method: clinical testing. Allele origin: germline.

Athena Diagnostics
Classification: Benign. Last evaluated: 2025-07-22. Review status: criteria provided, single submitter. Criteria: Athena Diagnostics Criteria. Collection method: clinical testing. Allele origin: unknown.
Comment: The frequency of this variant in the general population is higher than would generally be expected for pathogenic variants in this gene. Computational tools yielded predictions that this variant is unlikely to have an effect on normal RNA splicing. This nucleotide position exhibits low evolutionary conservation. This variant has been seen where an alternate explanation for disease was also identified.

GeneDx
Classification: Likely benign. Last evaluated: 2022-05-06. Review status: criteria provided, single submitter. Criteria: GeneDx Variant Classification Process June 2021. Collection method: clinical testing. Allele origin: germline. Affected: yes.
Comment: See Variant Classification Assertion Criteria.

Breakthrough Genomics
Classification: Likely benign. Review status: criteria provided, single submitter. Criteria: ACMG Guidelines, 2015. Collection method: not provided. Allele origin: germline. Inheritance: Autosomal recessive inheritance. Affected: yes.

NM_006946.4(SPTBN2):c.1011T>G (p.Leu337=)

Gene: SPTBN2 (spectrin beta, non-erythrocytic 2; minus strand). Cytogenetic location: 11q13.2.
Variant type: single nucleotide variant.
Coding change: c.1011T>G on transcript NM_006946.4 (MANE Select); coding-DNA position 1011, T replaced by G.
Protein change: p.Leu337=; no amino-acid change (leucine 337 retained).
Molecular consequence: synonymous variant.
Genome position (GRCh38, 1-based): chr11:66,710,644, A>C on the plus strand (T>G on the coding strand, the complement: SPTBN2 is on the minus strand). VCF-style: chr11-66710644-A-C. GRCh37 (hg19) VCF-style: chr11-66478115-A-C.
Identifiers: ClinVar variation 305592 (VCV000305592.16), dbSNP rs34275473, ClinGen allele CA6129509.